The following is an entry in ClinVar:

ClinVar aggregate classification (germline): Uncertain significance (1 of 4 stars; one submission).

gnomAD v4.1: 7 of 1,612,330 alleles (0.00043%); highest among the groups gnomAD compares: Non-Finnish European, 0.00059%; no homozygotes.

Submission:

Labcorp Genetics (formerly Invitae), Labcorp
Classification: Uncertain significance. Last evaluated: 2025-05-07. Review status: criteria provided, single submitter. Criteria: Invitae Variant Classification Sherloc (09022015). Collection method: clinical testing. Allele origin: germline.
Comment: This sequence change replaces isoleucine, which is neutral and non-polar, with threonine, which is neutral and polar, at codon 94 of the ENPP1 protein (p.Ile94Thr). This variant is present in population databases (rs753796853, gnomAD 0.004%). This variant has not been reported in the literature in individuals affected with ENPP1-related conditions. An algorithm developed to predict the effect of missense changes on protein structure and function (PolyPhen-2) suggests that this variant is likely to be disruptive. In summary, the available evidence is currently insufficient to determine the role of this variant in disease. Therefore, it has been classified as a Variant of Uncertain Significance.

NM_006208.3(ENPP1):c.281T>C (p.Ile94Thr)

Gene: ENPP1 (ectonucleotide pyrophosphatase/phosphodiesterase 1; plus strand). Cytogenetic location: 6q23.2.
Variant type: single nucleotide variant.
Coding change: c.281T>C on transcript NM_006208.3 (MANE Select); coding-DNA position 281, T replaced by C.
Protein change: p.Ile94Thr; replaces isoleucine 94 with threonine.
Molecular consequence: missense variant.
Genome position (GRCh38, 1-based): chr6:131,847,816, T>C. VCF-style: chr6-131847816-T-C. GRCh37 (hg19) VCF-style: chr6-132168956-T-C.
Other names: short protein forms I94T.
Identifiers: ClinVar variation 4749549 (VCV004749549.1).